The following is an entry in ClinVar:

ClinVar aggregate classification (germline): Benign (1 of 4 stars; one submission).

Conditions:
Bruck syndrome 2 (BRKS2). Also called: OSTEOGENESIS IMPERFECTA WITH CONGENITAL JOINT CONTRACTURES. Identifiers: Orphanet 2771, MedGen C1836602, MONDO:0012217, OMIM 609220.

Allele frequency attached by ClinVar (database versions not stated): gnomAD 0.00394 and 0.00429; TOPMed 0.00458; 1000 Genomes Project 0.00499; 1000 Genomes Project 30x 0.00515.
gnomAD v4.1: 592 of 152,344 alleles (0.39%); highest among the groups gnomAD compares: African/African-American, 1.4%; 6 homozygotes.

Submission:

Illumina Laboratory Services, Illumina
Classification: Benign for Bruck syndrome 2. Last evaluated: 2018-01-13. Review status: criteria provided, single submitter. Criteria: ICSL Variant Classification Criteria 13 December 2019. Collection method: clinical testing. Allele origin: germline.
Comment: This variant was observed in the ICSL laboratory as part of a predisposition screen in an ostensibly healthy population. It had not been previously curated by ICSL or reported in the Human Gene Mutation Database (HGMD: prior to June 1st, 2018), and was therefore a candidate for classification through an automated scoring system. Utilizing variant allele frequency, disease prevalence and penetrance estimates, and inheritance mode, an automated score was calculated to assess if this variant is too frequent to cause the disease. Based on the score and internal cut-off values, a variant classified as benign is not then subjected to further curation. The score for this variant resulted in a classification of benign for this disease.

NM_182943.3(PLOD2):c.*764A>G

Gene: PLOD2 (procollagen-lysine,2-oxoglutarate 5-dioxygenase 2; minus strand). Cytogenetic location: 3q24.
Variant type: single nucleotide variant.
Coding change: c.*764A>G on transcript NM_182943.3 (MANE Select); 764 bases downstream of the stop codon, A replaced by G.
Molecular consequence: 3 prime UTR variant.
Genome position (GRCh38, 1-based): chr3:146,069,953, T>C on the plus strand (A>G on the coding strand, the complement: PLOD2 is on the minus strand). VCF-style: chr3-146069953-T-C. GRCh37 (hg19) VCF-style: chr3-145787740-T-C.
Other names: c.*764A>G (NM_000935.3).
Identifiers: ClinVar variation 343637 (VCV000343637.5), dbSNP rs141834169, ClinGen allele CA10615037.
Genomic context (GRCh38, chr3:146,069,953, plus strand): 5'-CTAAAAAAGGAAACAAAGCAAAAACAACAACAAAAAAAACCTGTTTGACTTAAGGACACT[T>C]GCTGATCTTGACACTTGATAATACTTTAAGAAATGGAAAGGTTTTCCTAAATCTAATACC-3'